The following is an entry in ClinVar:

ClinVar aggregate classification (germline): Uncertain significance (1 of 4 stars; one submission).

Conditions:
Inborn genetic diseases. Identifiers: MedGen C0950123, MeSH D030342.

Submission:

Ambry Genetics
Classification: Uncertain significance for Inborn genetic diseases. Last evaluated: 2026-09-06. Review status: criteria provided, single submitter. Criteria: Ambry Variant Classification Scheme 2023. Collection method: clinical testing. Allele origin: germline.
Comment: The p.V258A variant (also known as c.773T>C), located in coding exon 4 of the FANCM gene, results from a T to C substitution at nucleotide position 773. The valine at codon 258 is replaced by alanine, an amino acid with similar properties. This amino acid position is conserved. In addition, the in silico prediction for this alteration is inconclusive. Based on the available evidence, the clinical significance of this variant remains unclear.

NM_020937.4(FANCM):c.773T>C (p.Val258Ala)

Gene: FANCM (FA complementation group M; plus strand). Cytogenetic location: 14q21.2.
Variant type: single nucleotide variant.
Coding change: c.773T>C on transcript NM_020937.4 (MANE Select); coding-DNA position 773, T replaced by C.
Protein change: p.Val258Ala; replaces valine 258 with alanine.
Molecular consequence: missense variant.
Genome position (GRCh38, 1-based): chr14:45,148,850, T>C. VCF-style: chr14-45148850-T-C. GRCh37 (hg19) VCF-style: chr14-45618053-T-C.
Other names: c.695T>C, p.Val232Ala (NM_001308133.2); c.773T>C, p.Val258Ala (NM_001308134.2); short protein forms V232A, V258A.
Identifiers: ClinVar variation 5021542 (VCV005021542.1).